The following is an entry in ClinVar:

ClinVar aggregate classification (germline): Uncertain significance (1 of 4 stars; one submission).

Conditions:
Inflammatory skin and bowel disease, neonatal, 1. Identifiers: Orphanet 294023, MedGen C3280501, MONDO:0013693, OMIM 614328.

Submission:

Labcorp Genetics (formerly Invitae), Labcorp
Classification: Uncertain significance for Inflammatory skin and bowel disease, neonatal, 1. Last evaluated: 2019-05-03. Review status: criteria provided, single submitter. Criteria: Invitae Variant Classification Sherloc (09022015). Collection method: clinical testing. Allele origin: germline.
Comment: In summary, the available evidence is currently insufficient to determine the role of this variant in disease. Therefore, it has been classified as a Variant of Uncertain Significance. Algorithms developed to predict the effect of missense changes on protein structure and function do not agree on the potential impact of this missense change (SIFT: "Tolerated"; PolyPhen-2: "Probably Damaging"; Align-GVGD: "Class C0"). This variant has not been reported in the literature in individuals with ADAM17-related disease. This variant is not present in population databases (ExAC no frequency). This sequence change replaces lysine with isoleucine at codon 640 of the ADAM17 protein (p.Lys640Ile). The lysine residue is highly conserved and there is a moderate physicochemical difference between lysine and isoleucine.

NM_003183.6(ADAM17):c.1919A>T (p.Lys640Ile)

Genes: ADAM17 (ADAM metallopeptidase domain 17; minus strand), IAH1 (isoamyl acetate hydrolyzing esterase 1 (putative); plus strand). Cytogenetic location: 2p25.1.
Variant type: single nucleotide variant.
Coding change: c.1919A>T on transcript NM_003183.6 (MANE Select); coding-DNA position 1919, A replaced by T.
Protein change: p.Lys640Ile; replaces lysine 640 with isoleucine.
Molecular consequence: missense variant.
Genome position (GRCh38, 1-based): chr2:9,493,821, T>A on the plus strand (A>T on the coding strand, the complement: ADAM17 is on the minus strand). VCF-style: chr2-9493821-T-A. GRCh37 (hg19) VCF-style: chr2-9633950-T-A.
Other names: c.1919A>T, p.Lys640Ile (LRG_1203t1); short protein forms K640I.
Identifiers: ClinVar variation 472725 (VCV000472725.8), dbSNP rs1553356735, ClinGen allele CA345796657.